The following is an entry in ClinVar:

NM_024675.4(PALB2):c.1990del (p.Met664fs)

Gene: PALB2 (partner and localizer of BRCA2; minus strand). Cytogenetic location: 16p12.2.
Variant type: Deletion.
Coding change: c.1990del on transcript NM_024675.4 (MANE Select); coding-DNA position 1990, one base deleted (A; older notation c.1990delA).
Protein change: p.Met664fs; shifts the reading frame from methionine 664.
Molecular consequence: frameshift variant.
Genome position (GRCh38, 1-based): chr16:23,630,164, T deleted on the plus strand (A on the coding strand, the reverse complement: PALB2 is on the minus strand). VCF-style (leftmost placement, unchanged base first): chr16-23630163-AT-A. GRCh37 (hg19) VCF-style: chr16-23641484-AT-A.
Other names: short protein forms M664fs.
Identifiers: ClinVar variation 859869 (VCV000859869.8), dbSNP rs1966862226, ClinGen allele CA916081848.

ClinVar aggregate classification (germline): Pathogenic (1 of 4 stars; one submission).

Conditions:
Familial cancer of breast. Also called: hereditary breast carcinoma; Hereditary breast cancer; BREAST CANCER, FAMILIAL. Identifiers: Orphanet 227535, MedGen C0346153, MONDO:0016419, OMIM 114480. Disease mechanism: loss of function.

Submission:

Labcorp Genetics (formerly Invitae), Labcorp
Classification: Pathogenic for Familial cancer of breast. Last evaluated: 2019-11-21. Review status: criteria provided, single submitter. Criteria: Invitae Variant Classification Sherloc (09022015). Collection method: clinical testing. Allele origin: germline.
Comment: For these reasons, this variant has been classified as Pathogenic. Loss-of-function variants in PALB2 are known to be pathogenic (PMID: 17200668, 24136930, 25099575). This variant has not been reported in the literature in individuals with PALB2-related conditions. This variant is not present in population databases (ExAC no frequency). This sequence change creates a premature translational stop signal (p.Met664Trpfs*8) in the PALB2 gene. It is expected to result in an absent or disrupted protein product.

Literature cited by the submitters: PubMed 17200668; PubMed 24136930; PubMed 25099575.